The following is an entry in ClinVar:

ClinVar aggregate classification (germline): Uncertain significance. Review status: criteria provided, multiple submitters, no conflicts (2 of 4 stars). 2 submissions from 2 submitters: Uncertain significance (2). Last evaluated 2026-03-31.

Conditions:
Inborn genetic diseases. Identifiers: MedGen C0950123, MeSH D030342.
Glucose-6-phosphate transport defect (GSD1B). Also called: GSD Ib; Glycogen Storage Disease Type Ib. Identifiers: Orphanet 364, Orphanet 79259, MedGen C0268146, MONDO:0009288, OMIM 232220.

Allele frequency attached by ClinVar (database versions not stated): ExAC 0.00001; gnomAD exomes below 0.00001.

Submissions (2):

Ambry Genetics
Classification: Uncertain significance for Inborn genetic diseases. Last evaluated: 2026-03-31. Review status: criteria provided, single submitter. Criteria: Ambry Variant Classification Scheme 2023. Collection method: clinical testing. Allele origin: germline.

Labcorp Genetics (formerly Invitae), Labcorp
Classification: Uncertain significance for Glucose-6-phosphate transport defect. Last evaluated: 2022-10-08. Review status: criteria provided, single submitter. Criteria: Invitae Variant Classification Sherloc (09022015). Collection method: clinical testing. Allele origin: germline.
Comment: This sequence change replaces lysine, which is basic and polar, with arginine, which is basic and polar, at codon 46 of the SLC37A4 protein (p.Lys46Arg). This variant is present in population databases (rs782754055, gnomAD 0.002%). This variant has not been reported in the literature in individuals affected with SLC37A4-related conditions. Experimental studies and prediction algorithms are not available or were not evaluated, and the functional significance of this variant is currently unknown. Algorithms developed to predict the effect of sequence changes on RNA splicing suggest that this variant may disrupt the consensus splice site. In summary, the available evidence is currently insufficient to determine the role of this variant in disease. Therefore, it has been classified as a Variant of Uncertain Significance.

NM_001164277.2(SLC37A4):c.137A>G (p.Lys46Arg)

Gene: SLC37A4 (solute carrier family 37 member 4; minus strand). Cytogenetic location: 11q23.3.
Variant type: single nucleotide variant.
Coding change: c.137A>G on transcript NM_001164277.2 (MANE Select); coding-DNA position 137, A replaced by G.
Protein change: p.Lys46Arg; replaces lysine 46 with arginine.
Molecular consequence: missense variant. On other transcripts: intron variant (1).
Genome position (GRCh38, 1-based): chr11:119,029,233, T>C on the plus strand (A>G on the coding strand, the complement: SLC37A4 is on the minus strand). VCF-style: chr11-119029233-T-C. GRCh37 (hg19) VCF-style: chr11-118899943-T-C.
Other names: c.137A>G, p.Lys46Arg (NM_001164278.2, NM_001164280.2, NM_001467.6); c.-172+159A>G (NM_001164279.2); short protein forms K46R.
Identifiers: ClinVar variation 1984902 (VCV001984902.4), dbSNP rs782754055, ClinGen allele CA6311908.
Genomic context (GRCh38, chr11:119,029,233, plus strand): 5'-GGCTGGTTCTGTGTCCCCAGGTCCACCACCCTGCTGTTTCAGGGCTCACCCAAATCATCC[T>C]TGTCCAAAGGGATCTCTTCCACCAATGATGGCATGACAAAGGAGAAGGTCTTGCGATTGA-3'
Protein context (NP_001157749.1, residues 36-56): PSLVEEIPLD[Lys46Arg]DDLGFITSSQ